The following is an entry in ClinVar:

ClinVar aggregate classification (germline): Pathogenic. Review status: criteria provided, single submitter (1 of 4 stars). 2 submissions from 2 submitters: Pathogenic (1). 1 of the submissions does not count toward it. Last evaluated 2022-05-25.

Conditions:
Cornelia de Lange syndrome 1 (CDLS1). Also called: NIPBL-Related Cornelia de Lange Syndrome; TYPUS DEGENERATIVUS AMSTELODAMENSIS; Brachmann de Lange syndrome. Identifiers: Orphanet 199, MedGen C4551851, MONDO:0007387, OMIM 122470.

Submissions (2):

Labcorp Genetics (formerly Invitae), Labcorp
Classification: Pathogenic for Cornelia de Lange syndrome 1. Last evaluated: 2022-05-25. Review status: criteria provided, single submitter. Criteria: Invitae Variant Classification Sherloc (09022015). Collection method: clinical testing. Allele origin: germline.
Comment: This variant is not present in population databases (gnomAD no frequency). This premature translational stop signal has been observed in individual(s) with Cornelia de Lange syndrome (PMID: 29764576). For these reasons, this variant has been classified as Pathogenic. This sequence change creates a premature translational stop signal (p.Arg2612Lysfs*20) in the NIPBL gene. It is expected to result in an absent or disrupted protein product. Loss-of-function variants in NIPBL are known to be pathogenic (PMID: 15318302, 19763162, 23505322, 29995837).

Division of Human Genetics, National Health Laboratory Service/University of the Witwatersrand
Classification: Pathogenic for Cornelia de Lange syndrome 1. Review status: no assertion criteria provided. Collection method: research. Allele origin: unknown. Affected: yes. Observed: 1 variant allele. Not counted in ClinVar's aggregate classification.

Literature cited by the submitters: PubMed 29764576 (cited by Labcorp Genetics (formerly Invitae), Labcorp); PubMed 15318302 (cited by Labcorp Genetics (formerly Invitae), Labcorp); PubMed 19763162 (cited by Labcorp Genetics (formerly Invitae), Labcorp); PubMed 23505322 (cited by Labcorp Genetics (formerly Invitae), Labcorp); PubMed 29995837 (cited by Labcorp Genetics (formerly Invitae), Labcorp).

NM_133433.4(NIPBL):c.7834dup (p.Arg2612fs)

Gene: NIPBL (NIPBL cohesin loading factor; plus strand). Cytogenetic location: 5p13.2.
Variant type: Duplication.
Coding change: c.7834dup on transcript NM_133433.4 (MANE Select); coding-DNA position 7834, one base duplicated (A; older notation c.7834dupA).
Protein change: p.Arg2612fs; shifts the reading frame from arginine 2612.
Molecular consequence: frameshift variant.
Genome position (GRCh38, 1-based): chr5:37,060,992, A duplicated; the last of 4 consecutive A bases (chr5:37,060,989-37,060,992); duplicating any one gives the same sequence. VCF-style (leftmost placement, unchanged base first): chr5-37060988-G-GA. GRCh37 (hg19) VCF-style: chr5-37061090-G-GA.
Other names: c.7834dup, p.Arg2612fs (NM_015384.5); c.7831dupA (NM_133433.4); short protein forms R2612fs.
Identifiers: ClinVar variation 1697860 (VCV001697860.6), dbSNP rs2149755630, ClinGen allele CA2580073218.